The following is an entry in ClinVar:

ClinVar aggregate classification (germline): Uncertain significance (1 of 4 stars; one submission).

Submission:

Labcorp Genetics (formerly Invitae), Labcorp
Classification: Uncertain significance. Last evaluated: 2022-08-09. Review status: criteria provided, single submitter. Criteria: Invitae Variant Classification Sherloc (09022015). Collection method: clinical testing. Allele origin: germline.
Comment: Experimental studies and prediction algorithms are not available or were not evaluated, and the functional significance of this variant is currently unknown. This sequence change replaces arginine, which is basic and polar, with glycine, which is neutral and non-polar, at codon 225 of the RUNX2 protein (p.Arg225Gly). Information on the frequency of this variant in the gnomAD database is not available, as this variant may be reported differently in the database. This variant has not been reported in the literature in individuals affected with RUNX2-related conditions. This variant disrupts the p.Arg225 amino acid residue in RUNX2. Other variant(s) that disrupt this residue have been determined to be pathogenic (Invitae). This suggests that this residue is clinically significant, and that variants that disrupt this residue are likely to be disease-causing. In summary, the available evidence is currently insufficient to determine the role of this variant in disease. Therefore, it has been classified as a Variant of Uncertain Significance.

NM_001024630.4(RUNX2):c.672_673delinsAG (p.Arg225Gly)

Gene: RUNX2 (RUNX family transcription factor 2; plus strand). Cytogenetic location: 6p21.1.
Variant type: Indel.
Coding change: c.672_673delinsAG on transcript NM_001024630.4 (MANE Select); coding-DNA positions 672 to 673, TC replaced by AG.
Protein change: p.Arg225Gly; replaces arginine 225 with glycine.
Molecular consequence: missense variant.
Genome position (GRCh38, 1-based): chr6:45,438,038-45,438,039, TC replaced by AG. VCF-style: chr6-45438038-TC-AG. GRCh37 (hg19) VCF-style: chr6-45405775-TC-AG.
Other names: c.672_673delinsAG, p.Arg225Gly (NM_001015051.4); c.630_631delinsAG, p.Arg211Gly (NM_001278478.2, NM_001369405.1); c.630_631delTCinsAG, p.Arg211Gly (NM_004348.3); short protein forms R211G, R225G.
Identifiers: ClinVar variation 1715858 (VCV001715858.5), dbSNP rs2548593585, ClinGen allele CA2580074692.